The following is an entry in ClinVar:

NM_139242.4(MTFMT):c.353A>G (p.Tyr118Cys)

Gene: MTFMT (mitochondrial methionyl-tRNA formyltransferase; minus strand). Cytogenetic location: 15q22.31.
Variant type: single nucleotide variant.
Coding change: c.353A>G on transcript NM_139242.4 (MANE Select); coding-DNA position 353, A replaced by G.
Protein change: p.Tyr118Cys; replaces tyrosine 118 with cysteine.
Molecular consequence: missense variant.
Genome position (GRCh38, 1-based): chr15:65,026,897, T>C on the plus strand (A>G on the coding strand, the complement: MTFMT is on the minus strand). VCF-style: chr15-65026897-T-C. GRCh37 (hg19) VCF-style: chr15-65319235-T-C.
Other names: short protein forms Y118C.
Identifiers: ClinVar variation 418335 (VCV000418335.2), dbSNP rs751294162, ClinGen allele CA7613387.

ClinVar aggregate classification (germline): Likely pathogenic (1 of 4 stars; one submission).

Allele frequency attached by ClinVar (database versions not stated): ExAC 0.00002; gnomAD exomes 0.00001.
gnomAD v4.1: 15 of 1,613,994 alleles (0.00093%); highest among the groups gnomAD compares: Non-Finnish European, 0.0013%; no homozygotes.

Submission:

GeneDx
Classification: Likely pathogenic. Last evaluated: 2014-06-30. Review status: criteria provided, single submitter. Criteria: GeneDx Variant Classification (06012015). Collection method: clinical testing. Allele origin: germline. Affected: yes.
Comment: A novel Y118C variant that is likely pathogenic was identified in the MTFMT gene. It has not been published as a pathogenic variant, nor has it been reported as a benign polymorphism to our knowledge. The Y118C variant is a non-conservative amino acid substitution, which is likely to impact secondary protein structure as these residues differ in polarity, charge, size and/or other properties. This substitution occurs at a position that is moderately conserved across species. In silico analysis predicts this variant is probably damaging to the protein structure/function. Therefore, this is a strong candidate for a pathogenic variant, however the possibility that it is a benign variant cannot be excluded.